The following is an entry in ClinVar:

ClinVar aggregate classification (germline): Pathogenic. Review status: criteria provided, single submitter (1 of 4 stars). 2 submissions from 2 submitters: Pathogenic (1). 1 of the submissions does not count toward it. Last evaluated 2026-01-11.

Conditions:
Early-infantile DEE. Also called: Early infantile epileptic encephalopathy with suppression bursts; Ohtahara syndrome; Early infantile epileptic encephalopathy. Identifiers: Orphanet 1934, MedGen C0393706, MONDO:0800491.
Seizures, benign familial neonatal, 1. Also called: Benign Neonatal Epilepsy 1; KCNQ2-Related Benign Familial Neonatal Epilepsy; KCNQ2-Related Self-Limited Familial Neonatal Epilepsy (SLFNE); Seizures, benign neonatal, 1. Identifiers: Orphanet 1949, MedGen C3149074, MONDO:0007365, OMIM 121200.

Submissions (2):

Labcorp Genetics (formerly Invitae), Labcorp
Classification: Pathogenic for Early-infantile DEE. Last evaluated: 2026-01-11. Review status: criteria provided, single submitter. Criteria: Invitae Variant Classification Sherloc (09022015). Collection method: clinical testing. Allele origin: germline.
Comment: This sequence change is expected to alter the c-terminus of the KCNQ2 protein (p.Thr653Glnfs*277). While this is not anticipated to result in nonsense mediated decay, it is expected to disrupt the last 220 amino acid(s) of the KCNQ2 protein and extend the protein by 56 additional amino acid residues. This variant is not present in population databases (gnomAD no frequency). This frameshift has been observed in individuals with clinical features of benign familial neonatal seizures (PMID: 14534157; internal data). This variant is also known as 653del1. ClinVar contains an entry for this variant (Variation ID: 21773). This variant results in an extension of the KCNQ2 protein. Other variant(s) that result in a similarly extended protein product (p.Val690Cysfs*240) have been determined to be pathogenic (internal data). This suggests that these extensions are likely to be disease-causing. For these reasons, this variant has been classified as Pathogenic.

GeneReviews
No classification provided. Condition: Seizures, benign familial neonatal, 1. Review status: no classification provided. Collection method: literature only. Allele origin: germline. Affected: yes. Not counted in ClinVar's aggregate classification.
Comment: BFNE (benign familial neonatal epilepsy)

Literature cited by the submitters: PubMed 14534157 (cited by Labcorp Genetics (formerly Invitae), Labcorp and GeneReviews); NCBI Bookshelf NBK32534 (cited by GeneReviews).

NM_172107.4(KCNQ2):c.1956del (p.Thr653fs)

Gene: KCNQ2 (potassium voltage-gated channel subfamily Q member 2; minus strand). Cytogenetic location: 20q13.33.
Variant type: Deletion.
Coding change: c.1956del on transcript NM_172107.4 (MANE Select); coding-DNA position 1956, one base deleted (G; older notation c.1956delG).
Protein change: p.Thr653fs; shifts the reading frame from threonine 653.
Molecular consequence: frameshift variant.
Genome position (GRCh38, 1-based): chr20:63,407,307, C deleted on the plus strand (G on the coding strand, the reverse complement: KCNQ2 is on the minus strand). VCF-style (leftmost placement, unchanged base first): chr20-63407306-TC-T. GRCh37 (hg19) VCF-style: chr20-62038659-TC-T.
Other names: c.1872del, p.Thr625fs (NM_004518.6); c.1902del, p.Thr635fs (NM_172106.3); c.1863del, p.Thr622fs (NM_172108.5); short protein forms T635fs, T653fs, T622fs, T625fs.
Identifiers: ClinVar variation 21773 (VCV000021773.8), dbSNP rs118192242, ClinGen allele CA342483.